The following is an entry in ClinVar:

ClinVar aggregate classification (germline): Pathogenic/Likely pathogenic. Review status: criteria provided, multiple submitters, no conflicts (2 of 4 stars). 4 submissions from 4 submitters: Pathogenic (2); Likely pathogenic (2). Last evaluated 2025-12-22.

Conditions:
Congenital myasthenic syndrome 11. Also called: Myasthenic syndrome, congenital, 11, associated with acetylcholine receptor deficiency; MYASTHENIC SYNDROME, CONGENITAL, Ie. Identifiers: Orphanet 590, MedGen C4225367, MONDO:0014588, OMIM 616326.
Fetal akinesia deformation sequence 2. Identifiers: MedGen C4760576, MONDO:0100102, OMIM 618388.
Congenital myasthenic syndrome (CMS). Also called: Congenital Myasthenic Syndromes. Identifiers: Orphanet 590, MedGen C0751882, MeSH D020294, MONDO:0018940.
Fetal akinesia deformation sequence 1 (FADS1). Also called: Fetal akinesia sequence; Pena-Shokeir syndrome type I. Identifiers: Orphanet 994, MedGen C1276035, MONDO:0100101, OMIM 208150, HP:0001989.

Submissions (4):

Natera, Inc.
Classification: Pathogenic for Congenital myasthenic syndrome. Last evaluated: 2025-12-22. Review status: criteria provided, single submitter. Criteria: Natera Variant Classification Schema (03/2026). Collection method: clinical testing. Allele origin: germline.
Comment: The c.288del variant in RAPSN is a frameshift variant predicted to shift the reading frame beginning at codon 97 and leads to a stop codon 31 codons downstream. This variant is expected to result in nonsense mediated decay, truncation, or a dysfunctional protein product. This variant is rare in the general population with a frequency below the threshold expected for the associated phenotype(s). This variant has been observed in one or more individuals affected with the associated recessive disease, as either homozygous or compound heterozygous with a second variant (PMID: 33255631). Given the available evidence, this variant is classified as Pathogenic.

Fulgent Genetics
Classification: Likely pathogenic for Congenital myasthenic syndrome 11; Fetal akinesia deformation sequence 2. Last evaluated: 2024-03-30. Review status: criteria provided, single submitter. Criteria: ACMG Guidelines, 2015. Collection method: clinical testing. Allele origin: germline.

Baylor Genetics
Classification: Likely pathogenic for Fetal akinesia deformation sequence 2. Last evaluated: 2023-12-14. Review status: criteria provided, single submitter. Criteria: ACMG Guidelines, 2015. Collection method: clinical testing. Allele origin: unknown.

Labcorp Genetics (formerly Invitae), Labcorp
Classification: Pathogenic for Congenital myasthenic syndrome 11; Fetal akinesia deformation sequence 1. Last evaluated: 2022-12-31. Review status: criteria provided, single submitter. Criteria: Invitae Variant Classification Sherloc (09022015). Collection method: clinical testing. Allele origin: germline.
Comment: This sequence change creates a premature translational stop signal (p.Cys97Alafs*31) in the RAPSN gene. It is expected to result in an absent or disrupted protein product. Loss-of-function variants in RAPSN are known to be pathogenic (PMID: 17686188). For these reasons, this variant has been classified as Pathogenic. This variant has not been reported in the literature in individuals affected with RAPSN-related conditions. This variant is not present in population databases (gnomAD no frequency).

Literature cited by the submitters: PubMed 33255631 (cited by Natera, Inc.); PubMed 17686188 (cited by Labcorp Genetics (formerly Invitae), Labcorp).

NM_005055.5(RAPSN):c.288del (p.Cys97fs)

Gene: RAPSN (receptor associated protein of the synapse; minus strand). Cytogenetic location: 11p11.2.
Variant type: Deletion.
Coding change: c.288del on transcript NM_005055.5 (MANE Select); coding-DNA position 288, one base deleted (G; older notation c.288delG).
Protein change: p.Cys97fs; shifts the reading frame from cysteine 97.
Molecular consequence: frameshift variant.
Genome position (GRCh38, 1-based): chr11:47,448,055, C deleted on the plus strand (G on the coding strand, the reverse complement: RAPSN is on the minus strand). VCF-style (leftmost placement, unchanged base first): chr11-47448054-AC-A. GRCh37 (hg19) VCF-style: chr11-47469606-AC-A.
Other names: c.288del, p.Cys97fs (NM_032645.5); c.288del (NM_005055.4); short protein forms C97fs.
Identifiers: ClinVar variation 2678224 (VCV002678224.7), dbSNP rs2496131085, ClinGen allele CA2695201133.